The following is an entry in ClinVar:

ClinVar aggregate classification (germline): Conflicting classifications of pathogenicity. Review status: criteria provided, conflicting classifications (1 of 4 stars). 2 submissions from 2 submitters: Uncertain significance (1); Likely benign (1). Last evaluated 2024-02-07.

Conditions:
RASopathy. Also called: Noonan spectrum disorder; rasopathies. Identifiers: Orphanet 536391, MedGen C5555857, MONDO:0021060.
Cardiovascular phenotype. Identifiers: MedGen CN230736.

Allele frequency attached by ClinVar (database versions not stated): gnomAD 0.00001; TOPMed 0.00002; ESP Exome Variant Server 0.00008.
gnomAD v4.1: 2 of 1,597,594 alleles (0.00013%); highest among the groups gnomAD compares: African/African-American, 0.0027%; no homozygotes.

Submissions (2):

Labcorp Genetics (formerly Invitae), Labcorp
Classification: Uncertain significance for RASopathy. Last evaluated: 2024-02-07. Review status: criteria provided, single submitter. Criteria: Invitae Variant Classification Sherloc (09022015). Collection method: clinical testing. Allele origin: germline.
Comment: This sequence change affects an acceptor splice site in intron 3 of the RAF1 gene. It is expected to disrupt RNA splicing. Variants that disrupt the donor or acceptor splice site typically lead to a loss of protein function (PMID: 16199547), however the current clinical and genetic evidence is not sufficient to establish whether loss-of-function variants in RAF1 cause disease. This variant is present in population databases (rs372393218, gnomAD 0.007%). This variant has not been reported in the literature in individuals affected with RAF1-related conditions. ClinVar contains an entry for this variant (Variation ID: 1728946). Algorithms developed to predict the effect of sequence changes on RNA splicing suggest that this variant may disrupt the consensus splice site. In summary, the available evidence is currently insufficient to determine the role of this variant in disease. Therefore, it has been classified as a Variant of Uncertain Significance.

Ambry Genetics
Classification: Likely benign for Cardiovascular phenotype. Last evaluated: 2022-08-09. Review status: criteria provided, single submitter. Criteria: Ambry Variant Classification Scheme 2023. Collection method: clinical testing. Allele origin: germline.

Literature cited by the submitters: PubMed 16199547 (cited by Labcorp Genetics (formerly Invitae), Labcorp).

NM_002880.4(RAF1):c.321-1G>T

Gene: RAF1 (Raf-1 proto-oncogene, serine/threonine kinase; minus strand). Cytogenetic location: 3p25.2.
Variant type: single nucleotide variant.
Coding change: c.321-1G>T on transcript NM_002880.4 (MANE Select); the canonical splice acceptor site of the intron before coding-DNA position 321, G replaced by T.
Molecular consequence: splice acceptor variant.
Genome position (GRCh38, 1-based): chr3:12,609,336, C>A on the plus strand (G>T on the coding strand, the complement: RAF1 is on the minus strand). VCF-style: chr3-12609336-C-A. GRCh37 (hg19) VCF-style: chr3-12650835-C-A.
Other names: c.78-1G>T (NM_001354695.3, NM_001354692.3, NM_001354694.3 and 1 more transcripts); c.321-1G>T (NM_001354693.3, NM_001354689.3, NM_001354690.3).
Identifiers: ClinVar variation 1728946 (VCV001728946.4), dbSNP rs372393218, ClinGen allele CA69623167.